The following is an entry in ClinVar:

ClinVar aggregate classification (germline): Uncertain significance (1 of 4 stars; one submission).

Conditions:
Inborn genetic diseases. Identifiers: MedGen C0950123, MeSH D030342.

Submission:

Ambry Genetics
Classification: Uncertain significance for Inborn genetic diseases. Last evaluated: 2021-06-27. Review status: criteria provided, single submitter. Criteria: Ambry Variant Classification Scheme 2023. Collection method: clinical testing. Allele origin: germline.
Comment: The p.D131E variant (also known as c.393T>A), located in coding exon 6 of the ERCC2 gene, results from a T to A substitution at nucleotide position 393. The aspartic acid at codon 131 is replaced by glutamic acid, an amino acid with highly similar properties. This amino acid position is conserved. In addition, the in silico prediction for this alteration is inconclusive. Since supporting evidence is limited at this time, the clinical significance of this alteration remains unclear.

NM_000400.4(ERCC2):c.393T>A (p.Asp131Glu)

Gene: ERCC2 (ERCC excision repair 2, TFIIH core complex helicase subunit; minus strand). Cytogenetic location: 19q13.32.
Variant type: single nucleotide variant.
Coding change: c.393T>A on transcript NM_000400.4 (MANE Select); coding-DNA position 393, T replaced by A.
Protein change: p.Asp131Glu; replaces aspartic acid 131 with glutamic acid.
Molecular consequence: missense variant.
Genome position (GRCh38, 1-based): chr19:45,365,126, A>T on the plus strand (T>A on the coding strand, the complement: ERCC2 is on the minus strand). VCF-style: chr19-45365126-A-T. GRCh37 (hg19) VCF-style: chr19-45868384-A-T.
Other names: c.321T>A, p.Asp107Glu (NM_001130867.2); short protein forms D107E, D131E.
Identifiers: ClinVar variation 1736342 (VCV001736342.2), dbSNP rs2514035154, ClinGen allele CA406376151.